The following is an entry in ClinVar:

NM_000126.4(ETFA):c.442A>G (p.Ile148Val)

Gene: ETFA (electron transfer flavoprotein subunit alpha; minus strand). Cytogenetic location: 15q24.2.
Variant type: single nucleotide variant.
Coding change: c.442A>G on transcript NM_000126.4 (MANE Select); coding-DNA position 442, A replaced by G.
Protein change: p.Ile148Val; replaces isoleucine 148 with valine.
Molecular consequence: missense variant.
Genome position (GRCh38, 1-based): chr15:76,287,855, T>C on the plus strand (A>G on the coding strand, the complement: ETFA is on the minus strand). VCF-style: chr15-76287855-T-C. GRCh37 (hg19) VCF-style: chr15-76580196-T-C.
Other names: c.295A>G, p.Ile99Val (NM_001127716.2); short protein forms I148V, I99V.
Identifiers: ClinVar variation 235646 (VCV000235646.16), dbSNP rs199673198, ClinGen allele CA7673764.
Genomic context (GRCh38, chr15:76,287,855, plus strand): 5'-CTTTTCACTAAAATTTAACATGTTGATTAATTATCTTCCTTGAGTACTCACCTGCATAAA[T>C]AGTTCTCACAAATGTGTCAGGTGACTTGATTGCAATGATGTCAGAAATCGGGGCAACCTC-3'
Protein context (NP_000117.1, residues 138-158): IKSPDTFVRT[Ile148Val]YAGNALCTVK

ClinVar aggregate classification (germline): Conflicting classifications of pathogenicity. Review status: criteria provided, conflicting classifications (1 of 4 stars). 4 submissions from 4 submitters: Uncertain significance (1); Likely benign (2). 1 of the submissions does not count toward it. Last evaluated 2026-01-07.

Conditions:
Glutaric acidemia type 2A.
Multiple acyl-CoA dehydrogenase deficiency (MADD). Also called: Glutaric acidemia type II; GA 2; Glutaric aciduria, type 2; Glutaric Acidemia type 2; ETHYLMALONIC-ADIPICACIDURIA; GA II. Identifiers: Orphanet 26791, MedGen C0268596, MONDO:0009282, OMIM 231680.

Allele frequency attached by ClinVar (database versions not stated): gnomAD 0.00006 and 0.00013; TOPMed 0.00012; ESP Exome Variant Server 0.00015; 1000 Genomes Project 30x 0.00016; gnomAD exomes 0.00019 and 0.00043; 1000 Genomes Project 0.00020; ExAC 0.00049.
gnomAD v4.1: 295 of 1,607,250 alleles (0.018%); highest among the groups gnomAD compares: South Asian, 0.3%; 2 homozygotes.

Submissions (4):

Labcorp Genetics (formerly Invitae), Labcorp
Classification: Likely benign for Multiple acyl-CoA dehydrogenase deficiency. Last evaluated: 2026-01-07. Review status: criteria provided, single submitter. Criteria: Invitae Variant Classification Sherloc (09022015). Collection method: clinical testing. Allele origin: germline.

Blueprint Genetics
Classification: Likely benign. Last evaluated: 2024-03-20. Review status: criteria provided, single submitter. Criteria: ACMG Guidelines, 2015. Collection method: clinical testing. Allele origin: germline.

Center for Pediatric Genomic Medicine, Children's Mercy Hospital and Clinics
Classification: Uncertain significance. Last evaluated: 2015-08-26. Review status: criteria provided, single submitter. Criteria: ACMG Guidelines, 2015. Collection method: clinical testing. Allele origin: germline.
ClinVar note: Converted during submission from Uncertain Significance to Uncertain significance.

Natera, Inc.
Classification: Benign for Glutaric acidemia type 2A. Last evaluated: 2019-10-28. Review status: no assertion criteria provided. Collection method: clinical testing. Allele origin: germline. Not counted in ClinVar's aggregate classification.